The following is an entry in ClinVar:

NM_001003699.4(RREB1):c.2947T>G (p.Leu983Val)

Gene: RREB1 (ras responsive element binding protein 1; plus strand). Cytogenetic location: 6p24.3.
Variant type: single nucleotide variant.
Coding change: c.2947T>G on transcript NM_001003699.4 (MANE Select); coding-DNA position 2947, T replaced by G.
Protein change: p.Leu983Val; replaces leucine 983 with valine.
Molecular consequence: missense variant.
Genome position (GRCh38, 1-based): chr6:7,231,046, T>G. VCF-style: chr6-7231046-T-G. GRCh37 (hg19) VCF-style: chr6-7231279-T-G.
Other names: c.2947T>G, p.Leu983Val (NM_001003698.4, NM_001003700.2, NM_001168344.2); short protein forms L983V.
Identifiers: ClinVar variation 3435523 (VCV003435523.3).

ClinVar aggregate classification (germline): Conflicting classifications of pathogenicity. Review status: criteria provided, conflicting classifications (1 of 4 stars). 2 submissions from 2 submitters: Uncertain significance (1); Likely benign (1). Last evaluated 2026-05-01.

gnomAD v4.1: 84 of 1,613,698 alleles (0.0052%); highest among the groups gnomAD compares: Admixed American, 0.14%; no homozygotes.

Submissions (2):

CeGaT Center for Human Genetics Tuebingen
Classification: Likely benign. Last evaluated: 2026-05-01. Review status: criteria provided, single submitter. Criteria: CeGaT Center For Human Genetics Tuebingen Variant Classification Criteria Version 2. Collection method: clinical testing. Allele origin: germline. Affected: yes. Observed: 1 variant allele.
Comment: RREB1: BP4, BS1

Ambry Genetics
Classification: Uncertain significance. Last evaluated: 2024-11-10. Review status: criteria provided, single submitter. Criteria: Ambry Variant Classification Scheme 2023. Collection method: clinical testing. Allele origin: germline.